The following is an entry in ClinVar:

NM_198253.3(TERT):c.1462C>G (p.Leu488Val)

Gene: TERT (telomerase reverse transcriptase; minus strand). Cytogenetic location: 5p15.33.
Variant type: single nucleotide variant.
Coding change: c.1462C>G on transcript NM_198253.3 (MANE Select); coding-DNA position 1462, C replaced by G.
Protein change: p.Leu488Val; replaces leucine 488 with valine.
Molecular consequence: missense variant. On other transcripts: non-coding transcript variant (2).
Genome position (GRCh38, 1-based): chr5:1,293,424, G>C on the plus strand (C>G on the coding strand, the complement: TERT is on the minus strand). VCF-style: chr5-1293424-G-C. GRCh37 (hg19) VCF-style: chr5-1293539-G-C.
Other names: c.1462C>G, p.Leu488Val (NM_001193376.3); short protein forms L488V.
Identifiers: ClinVar variation 3805801 (VCV003805801.1).

ClinVar aggregate classification (germline): Uncertain significance (1 of 4 stars; one submission).

Conditions:
Dyskeratosis congenita. Identifiers: Orphanet 1775, MedGen C0265965, MONDO:0015780.

Submission:

Ambry Genetics
Classification: Uncertain significance for Dyskeratosis congenita. Last evaluated: 2025-03-05. Review status: criteria provided, single submitter. Criteria: Ambry Variant Classification Scheme 2023. Collection method: clinical testing. Allele origin: germline.
Comment: The p.L488V variant (also known as c.1462C>G), located in coding exon 2 of the TERT gene, results from a C to G substitution at nucleotide position 1462. The leucine at codon 488 is replaced by valine, an amino acid with highly similar properties. This amino acid position is conserved. In addition, this alteration is predicted to be tolerated by in silico analysis. Based on the available evidence, the clinical significance of this variant remains unclear.